The following is an entry in ClinVar:

ClinVar aggregate classification (germline): Uncertain significance (1 of 4 stars; one submission).

Submission:

CeGaT Center for Human Genetics Tuebingen
Classification: Uncertain significance. Last evaluated: 2026-07-01. Review status: criteria provided, single submitter. Criteria: CeGaT Center For Human Genetics Tuebingen Variant Classification Criteria Version 2. Collection method: clinical testing. Allele origin: germline. Affected: yes. Observed: 1 variant allele.
Comment: TTN: PM2

NM_001267550.2(TTN):c.70966C>T (p.Pro23656Ser)

Genes: TTN (titin; minus strand), TTN-AS1 (TTN antisense RNA 1; plus strand). Cytogenetic location: 2q31.2.
Variant type: single nucleotide variant.
Coding change: c.70966C>T on transcript NM_001267550.2 (MANE Select); coding-DNA position 70966, C replaced by T.
Protein change: p.Pro23656Ser; replaces proline 23656 with serine.
Molecular consequence: missense variant.
Genome position (GRCh38, 1-based): chr2:178,575,166, G>A on the plus strand (C>T on the coding strand, the complement: TTN is on the minus strand). VCF-style: chr2-178575166-G-A. GRCh37 (hg19) VCF-style: chr2-179439893-G-A.
Other names: c.66043C>T, p.Pro22015Ser (NM_001256850.1); c.43771C>T, p.Pro14591Ser (NM_003319.4); c.63262C>T, p.Pro21088Ser (NM_133378.4); c.44146C>T, p.Pro14716Ser (NM_133432.3); c.44347C>T, p.Pro14783Ser (NM_133437.4); short protein forms P14591S, P14716S, P14783S, P21088S, P22015S, P23656S.
Identifiers: ClinVar variation 5039996 (VCV005039996.1).
Genomic context (GRCh38, chr2:178,575,166, plus strand): 5'-GTTTAAGAATTTGGTCTCCTTTTTTCCATGTCACTGTGGGCTTCGGTCGACCGAGCACTG[G>A]AATTTCAACTTTGATGTTGTCACCAGCTTTGGCAATGACCAGTTTCTGATAGATGCCACG-3'
Protein context (NP_001254479.2, residues 23646-23666): KAGDNIKVEI[Pro23656Ser]VLGRPKPTVT